The following is an entry in ClinVar:

NM_002230.4(JUP):c.69C>G (p.Asp23Glu)

Gene: JUP (junction plakoglobin; minus strand). Cytogenetic location: 17q21.2.
Variant type: single nucleotide variant.
Coding change: c.69C>G on transcript NM_002230.4 (MANE Select); coding-DNA position 69, C replaced by G.
Protein change: p.Asp23Glu; replaces aspartic acid 23 with glutamic acid.
Molecular consequence: missense variant.
Genome position (GRCh38, 1-based): chr17:41,771,786, G>C on the plus strand (C>G on the coding strand, the complement: JUP is on the minus strand). VCF-style: chr17-41771786-G-C. GRCh37 (hg19) VCF-style: chr17-39928038-G-C.
Other names: c.69C>G, p.Asp23Glu (NM_001352773.2, NM_001352774.2, NM_001352775.2 and 3 more transcripts); short protein forms D23E.
Identifiers: ClinVar variation 1756553 (VCV001756553.2), dbSNP rs2544216840, ClinGen allele CA399507118.

ClinVar aggregate classification (germline): Uncertain significance (1 of 4 stars; one submission).

Conditions:
Cardiovascular phenotype. Identifiers: MedGen CN230736.

Submission:

Ambry Genetics
Classification: Uncertain significance for Cardiovascular phenotype. Last evaluated: 2021-12-03. Review status: criteria provided, single submitter. Criteria: Ambry Variant Classification Scheme 2023. Collection method: clinical testing. Allele origin: germline.
Comment: The p.D23E variant (also known as c.69C>G), located in coding exon 1 of the JUP gene, results from a C to G substitution at nucleotide position 69. The aspartic acid at codon 23 is replaced by glutamic acid, an amino acid with highly similar properties. This amino acid position is conserved. In addition, the in silico prediction for this alteration is inconclusive. Since supporting evidence is limited at this time, the clinical significance of this alteration remains unclear.